The following is an entry in ClinVar:

ClinVar aggregate classification (germline): Likely pathogenic. Review status: criteria provided, multiple submitters, no conflicts (2 of 4 stars). 2 submissions from 2 submitters: Likely pathogenic (2). Last evaluated 2021-02-11.

Conditions:
Familial thoracic aortic aneurysm and aortic dissection (TAAD). Also called: Thoracic aortic aneurysms and dissections. Identifiers: Orphanet 91387, MedGen C4707243, MONDO:0019625.

Submissions (2):

Mayo Clinic Laboratories, Mayo Clinic
Classification: Likely pathogenic. Last evaluated: 2021-02-11. Review status: criteria provided, single submitter. Criteria: ACMG Guidelines, 2015. Collection method: clinical testing. Allele origin: germline. Observed: 1 variant allele.
Comment: PVS1_Strong, PM2_Supporting, PM5

Ambry Genetics
Classification: Likely pathogenic for Familial thoracic aortic aneurysm and aortic dissection. Last evaluated: 2016-04-26. Review status: criteria provided, single submitter. Criteria: Ambry Variant Classification Scheme 2023. Collection method: clinical testing. Allele origin: germline.
Comment: The c.655-1G>C intronic variant results from a G to C substitution one nucleotide upstream from coding exon 5 of the COL5A1 gene. This variant was not reported in population based cohorts in the following databases: Database of Single Nucleotide Polymorphisms (dbSNP), NHLBI Exome Sequencing Project (ESP), and 1000 Genomes Project. In the ESP, this variant was not observed in 6503 samples (13006 alleles) with coverage at this position. This nucleotide position is highly conserved in available vertebrate species. Using two different splice site prediction tools, this alteration is predicted by BDGP to abolish the native splice acceptor site, but is predicted to weaken (but not abolish) the efficiency of the native splice acceptor site by ESEfinder; however, direct evidence is unavailable. Alterations that disrupt the canonical splice acceptor site are typically deleterious in nature (ACMG Recommendations for Standards for Interpretation and Reporting of Sequence Variations. Revision 2007. Genet Med. 2008;10:294). As such, the c.655-1G>C variant is classified as likely pathogenic.

Literature cited by the submitters: PubMed 12145749 (cited by Mayo Clinic Laboratories, Mayo Clinic); PubMed 22696272 (cited by Mayo Clinic Laboratories, Mayo Clinic).

NM_000093.5(COL5A1):c.655-1G>C

Gene: COL5A1 (collagen type V alpha 1 chain; plus strand). Cytogenetic location: 9q34.3.
Variant type: single nucleotide variant.
Coding change: c.655-1G>C on transcript NM_000093.5 (MANE Select); the canonical splice acceptor site of the intron before coding-DNA position 655, G replaced by C.
Molecular consequence: splice acceptor variant.
Genome position (GRCh38, 1-based): chr9:134,727,265, G>C. VCF-style: chr9-134727265-G-C. GRCh37 (hg19) VCF-style: chr9-137619111-G-C.
Other names: c.655-1G>C (NM_001278074.1).
Identifiers: ClinVar variation 519626 (VCV000519626.10), dbSNP rs1554787526, ClinGen allele CA375446174.